The following is an entry in ClinVar:

ClinVar aggregate classification (germline): Uncertain significance. Review status: criteria provided, multiple submitters, no conflicts (2 of 4 stars). 3 submissions from 3 submitters: Uncertain significance (3). Last evaluated 2025-06-15.

Conditions:
Epidermolysis bullosa simplex 5B, with muscular dystrophy (EBS5B). Also called: EPIDERMOLYSIS BULLOSA SIMPLEX AND LIMB-GIRDLE MUSCULAR DYSTROPHY; Epidermolysis bullosa simplex with muscular dystrophy. Identifiers: Orphanet 257, MedGen C2931072, MONDO:0009181, OMIM 226670.
Epidermolysis bullosa simplex, Ogna type (EBS5A). Also called: Pidermolysis bullosa simplex 5A, Ogna type; EPIDERMOLYSIS BULLOSA SIMPLEX 5A, OGNA TYPE. Identifiers: Orphanet 79401, MedGen C0432317, MONDO:0007555, OMIM 131950.
Autosomal recessive limb-girdle muscular dystrophy type 2Q (LGMDR17). Also called: MUSCULAR DYSTROPHY, LIMB-GIRDLE, AUTOSOMAL RECESSIVE 17. Identifiers: Orphanet 254361, MedGen C3150989, MONDO:0013390, OMIM 613723.
Epidermolysis bullosa simplex 5C, with pyloric atresia (EBS5C). Also called: Epidermolysis bullosa simplex with pyloric atresia; PLEC1-Related Epidermolysis Bullosa with Pyloric Atresia; PLEC-Related Epidermolysis Bullosa with Pyloric Atresia. Identifiers: Orphanet 158684, MedGen C2677349, MONDO:0012807, OMIM 612138.
Epidermolysis bullosa simplex with nail dystrophy (EBS5D). Identifiers: MedGen C4225309, MONDO:0014661, OMIM 616487.

Allele frequency attached by ClinVar (database versions not stated): gnomAD exomes 0.00001; ExAC 0.00002; gnomAD 0.00003; TOPMed 0.00003.
gnomAD v4.1: 48 of 1,592,122 alleles (0.003%); highest among the groups gnomAD compares: Middle Eastern, 0.018%; no homozygotes.

Submissions (3):

Labcorp Genetics (formerly Invitae), Labcorp
Classification: Uncertain significance for Autosomal recessive limb-girdle muscular dystrophy type 2Q; Epidermolysis bullosa simplex, Ogna type; Epidermolysis bullosa simplex with nail dystrophy; Epidermolysis bullosa simplex 5C, with pyloric atresia; Epidermolysis bullosa simplex 5B, with muscular dystrophy. Last evaluated: 2025-06-15. Review status: criteria provided, single submitter. Criteria: Invitae Variant Classification Sherloc (09022015). Collection method: clinical testing. Allele origin: germline.
Comment: This sequence change replaces arginine, which is basic and polar, with glutamine, which is neutral and polar, at codon 518 of the PLEC protein (p.Arg518Gln). This variant is present in population databases (rs781938961, gnomAD 0.007%). This variant has not been reported in the literature in individuals affected with PLEC-related conditions. ClinVar contains an entry for this variant (Variation ID: 497115). Experimental studies and prediction algorithms are not available or were not evaluated, and the functional significance of this variant is currently unknown. In summary, the available evidence is currently insufficient to determine the role of this variant in disease. Therefore, it has been classified as a Variant of Uncertain Significance.

Revvity Omics, Revvity
Classification: Uncertain significance. Last evaluated: 2025-02-04. Review status: criteria provided, single submitter. Criteria: ACMG Guidelines, 2015. Collection method: clinical testing. Allele origin: germline.

Eurofins Ntd Llc (ga)
Classification: Uncertain significance. Last evaluated: 2017-01-31. Review status: criteria provided, single submitter. Criteria: EGL Classification Definitions 2015. Collection method: clinical testing. Allele origin: germline. Observed: 3 variant alleles, 3 heterozygotes.

NM_201384.3(PLEC):c.1472G>A (p.Arg491Gln)

Gene: PLEC (plectin; minus strand). Cytogenetic location: 8q24.3.
Variant type: single nucleotide variant.
Coding change: c.1472G>A on transcript NM_201384.3 (MANE Select); coding-DNA position 1472, G replaced by A.
Protein change: p.Arg491Gln; replaces arginine 491 with glutamine.
Molecular consequence: missense variant.
Genome position (GRCh38, 1-based): chr8:143,933,058, C>T on the plus strand (G>A on the coding strand, the complement: PLEC is on the minus strand). VCF-style: chr8-143933058-C-T. GRCh37 (hg19) VCF-style: chr8-145007226-C-T.
Other names: c.1553G>A, p.Arg518Gln (NM_000445.5); c.1430G>A, p.Arg477Gln (NM_201378.4); c.1406G>A, p.Arg469Gln (NM_201379.3); c.1883G>A, p.Arg628Gln (NM_201380.4); c.1376G>A, p.Arg459Gln (NM_201381.3); c.1472G>A, p.Arg491Gln (NM_201382.4); c.1484G>A, p.Arg495Gln (NM_201383.3); short protein forms R459Q, R469Q, R477Q, R491Q, R495Q, R518Q, R628Q.
Identifiers: ClinVar variation 497115 (VCV000497115.13), dbSNP rs781938961, ClinGen allele CA4927944.
Genomic context (GRCh38, chr8:143,933,058, plus strand): 5'-ACACTCTGCAGAGTCACCTGGGCCACCTGGGTTGCAGGGGCCGCCACGCCTGCCTTCAGC[C>T]GTAGGTTGTACTCGGTGCGGATGGCTACCAGGCGCTCGTGCAGACGGTACACCCTGGGGC-3'
Protein context (NP_958786.1, residues 481-501): LVAIRTEYNL[Arg491Gln]LKAGVAAPAT